The following is an entry in ClinVar:

ClinVar aggregate classification (germline): Uncertain significance (1 of 4 stars; one submission).

Conditions:
von Willebrand disease type 2 (VWD2). Also called: VON WILLEBRAND DISEASE, TYPE II; VWD, TYPE 2; VON WILLEBRAND DISEASE, TYPE 2A/IIE; VON WILLEBRAND DISEASE, TYPE 2CB. Identifiers: Orphanet 166081, Orphanet 903, MedGen C1264040, MONDO:0013304, OMIM 613554.

gnomAD v4.1: 2 of 1,614,188 alleles (0.00012%); highest among the groups gnomAD compares: South Asian, 0.0022%; no homozygotes.

Submission:

Neuberg Centre For Genomic Medicine, NCGM
Classification: Uncertain significance for von Willebrand disease type 2. Last evaluated: 2023-05-20. Review status: criteria provided, single submitter. Criteria: ACMG Guidelines, 2015. Collection method: clinical testing. Allele origin: germline. Inheritance: Autosomal recessive inheritance. Affected: yes.
Comment: The missense variant c.5223T>G (p.Ile1741Met) in the VWF gene has not been reported previously as a pathogenic variant nor as a benign variant, to our knowledge. This variant is reported with the allele frequency (0.0003%) in the gnomAD Exomes and absent in 1000 Genomes. The amino acid Isoleucine at position 1741 is changed to a Methionine changing protein sequence and it might alter its composition and physico-chemical properties. Computational evidence (Polyphen, SIFT and MutationTaster) predicts conflicting evidence on protein structure and function for this variant. For these reasons, this variant has been classified as Uncertain Significance.

NM_000552.5(VWF):c.5223T>G (p.Ile1741Met)

Gene: VWF (von Willebrand factor; minus strand). Cytogenetic location: 12p13.31.
Variant type: single nucleotide variant.
Coding change: c.5223T>G on transcript NM_000552.5 (MANE Select); coding-DNA position 5223, T replaced by G.
Protein change: p.Ile1741Met; replaces isoleucine 1741 with methionine.
Molecular consequence: missense variant.
Genome position (GRCh38, 1-based): chr12:6,016,604, A>C on the plus strand (T>G on the coding strand, the complement: VWF is on the minus strand). VCF-style: chr12-6016604-A-C. GRCh37 (hg19) VCF-style: chr12-6125770-A-C.
Other names: short protein forms I1741M.
Identifiers: ClinVar variation 3367148 (VCV003367148.1).